The following is an entry in ClinVar:

NM_205836.3(FBXO38):c.1169T>C (p.Ile390Thr)

Gene: FBXO38 (F-box protein 38; plus strand). Cytogenetic location: 5q32.
Variant type: single nucleotide variant.
Coding change: c.1169T>C on transcript NM_205836.3 (MANE Select); coding-DNA position 1169, T replaced by C.
Protein change: p.Ile390Thr; replaces isoleucine 390 with threonine.
Molecular consequence: missense variant.
Genome position (GRCh38, 1-based): chr5:148,414,211, T>C. VCF-style: chr5-148414211-T-C. GRCh37 (hg19) VCF-style: chr5-147793774-T-C.
Other names: c.1169T>C, p.Ile390Thr (NM_001271723.2, NM_030793.5); short protein forms I390T.
Identifiers: ClinVar variation 856734 (VCV000856734.10), dbSNP rs141355914, ClinGen allele CA3497222.

ClinVar aggregate classification (germline): Uncertain significance. Review status: criteria provided, multiple submitters, no conflicts (2 of 4 stars). 2 submissions from 2 submitters: Uncertain significance (2). Last evaluated 2026-07-20.

Conditions:
FBXO38-related disorder. Also called: FBXO38-related condition.
Distal hereditary motor neuropathy type 2. Identifiers: Orphanet 139525, MedGen C3711384, MeSH C580044, MONDO:0015352.

Allele frequency attached by ClinVar (database versions not stated): ExAC 0.00003; gnomAD 0.00004; TOPMed 0.00005; ESP Exome Variant Server 0.00015.
gnomAD v4.1: 46 of 1,611,732 alleles (0.0029%); highest among the groups gnomAD compares: South Asian, 0.0066%; no homozygotes.

Submissions (2):

PreventionGenetics, part of Exact Sciences
Classification: Uncertain significance for FBXO38-related condition. Last evaluated: 2026-07-20. Review status: criteria provided, single submitter. Criteria: ACMG Guidelines, 2015. Collection method: clinical testing. Allele origin: germline.
Comment: The FBXO38 c.1169T>C variant is predicted to result in the amino acid substitution p.Ile390Thr. To our knowledge, this variant has not been reported in the literature. This variant is reported in 0.0062% of alleles in individuals of African descent in gnomAD. At this time, the clinical significance of this variant is uncertain due to the absence of conclusive functional and genetic evidence.

Labcorp Genetics (formerly Invitae), Labcorp
Classification: Uncertain significance for Distal hereditary motor neuropathy type 2. Last evaluated: 2026-01-05. Review status: criteria provided, single submitter. Criteria: Invitae Variant Classification Sherloc (09022015). Collection method: clinical testing. Allele origin: germline.
Comment: This sequence change replaces isoleucine, which is neutral and non-polar, with threonine, which is neutral and polar, at codon 390 of the FBXO38 protein (p.Ile390Thr). This variant is present in population databases (rs141355914, gnomAD 0.007%). This variant has not been reported in the literature in individuals affected with FBXO38-related conditions. ClinVar contains an entry for this variant (Variation ID: 856734). Invitae Evidence Modeling of protein sequence and biophysical properties (such as structural, functional, and spatial information, amino acid conservation, physicochemical variation, residue mobility, and thermodynamic stability) has been performed for this missense variant. However, the output from this modeling did not meet the statistical confidence thresholds required to predict the impact of this variant on FBXO38 protein function. In summary, the available evidence is currently insufficient to determine the role of this variant in disease. Therefore, it has been classified as a Variant of Uncertain Significance.